The following is an entry in ClinVar:

ClinVar aggregate classification (germline): Likely pathogenic (1 of 4 stars; one submission).

Conditions:
Loeys-Dietz syndrome 4 (LDS4). Also called: ANEURYSM, AORTIC AND CEREBRAL, WITH ARTERIAL TORTUOSITY AND SKELETAL MANIFESTATIONS; TGFB2-Related Loeys-Dietz Syndrome. Identifiers: MedGen C3553762, MONDO:0013897, OMIM 614816.

Submission:

Labcorp Genetics (formerly Invitae), Labcorp
Classification: Likely pathogenic for Loeys-Dietz syndrome 4. Last evaluated: 2023-04-07. Review status: criteria provided, single submitter. Criteria: Invitae Variant Classification Sherloc (09022015). Collection method: clinical testing. Allele origin: germline.
Comment: In summary, the currently available evidence indicates that the variant is pathogenic, but additional data are needed to prove that conclusively. Therefore, this variant has been classified as Likely Pathogenic. Algorithms developed to predict the effect of sequence changes on RNA splicing suggest that this variant may disrupt the consensus splice site. This variant has not been reported in the literature in individuals affected with TGFB2-related conditions. This variant is not present in population databases (gnomAD no frequency). This variant results in the deletion of part of exon 5 (c.921_932+4del) of the TGFB2 gene. It is expected to disrupt RNA splicing. Variants that disrupt the donor or acceptor splice site typically lead to a loss of protein function (PMID: 16199547), and loss-of-function variants in TGFB2 are known to be pathogenic (PMID: 22772368, 22772371, 30739908).

Literature cited by the submitters: PubMed 16199547; PubMed 22772368; PubMed 22772371; PubMed 30739908.

NM_003238.6(TGFB2):c.921_932+4del

Gene: TGFB2 (transforming growth factor beta 2; plus strand). Cytogenetic location: 1q41.
Variant type: Deletion.
Coding change: c.921_932+4del on transcript NM_003238.6 (MANE Select); coding-DNA position 921 through 4 bases into the intron after coding-DNA position 932, 16 bases deleted (CTATTGCTTTAGGTAA).
Molecular consequence: splice donor variant.
Genome position (GRCh38, 1-based): chr1:218,436,136-218,436,151, CTATTGCTTTAGGTAA deleted. VCF-style (leftmost placement, unchanged base first): chr1-218436135-CCTATTGCTTTAGGTAA-C. GRCh37 (hg19) VCF-style: chr1-218609477-CCTATTGCTTTAGGTAA-C.
Other names: c.1005_1016+4del (NM_001135599.4).
Identifiers: ClinVar variation 2812217 (VCV002812217.3), dbSNP rs2464872489, ClinGen allele CA2739275666.